The following is an entry in ClinVar:

NM_004655.4(AXIN2):c.739G>C (p.Val247Leu)

Gene: AXIN2 (axin 2; minus strand). Cytogenetic location: 17q24.1.
Variant type: single nucleotide variant.
Coding change: c.739G>C on transcript NM_004655.4 (MANE Select); coding-DNA position 739, G replaced by C.
Protein change: p.Val247Leu; replaces valine 247 with leucine.
Molecular consequence: missense variant.
Genome position (GRCh38, 1-based): chr17:65,557,882, C>G on the plus strand (G>C on the coding strand, the complement: AXIN2 is on the minus strand). VCF-style: chr17-65557882-C-G. GRCh37 (hg19) VCF-style: chr17-63554000-C-G.
Other names: c.739G>C, p.Val247Leu (NM_001363813.1); short protein forms V247L.
Identifiers: ClinVar variation 1052720 (VCV001052720.14), dbSNP rs755206242, ClinGen allele CA8718998.

ClinVar aggregate classification (germline): Conflicting classifications of pathogenicity. Review status: criteria provided, conflicting classifications (1 of 4 stars). 5 submissions from 5 submitters: Uncertain significance (4); Benign (1). Last evaluated 2025-11-09.

Conditions:
Colorectal cancer. Also called: Colorectal cancer, somatic; Malignant Colorectal Neoplasm. Identifiers: MedGen C0346629, MONDO:0005575, OMIM 114500.
Hereditary cancer-predisposing syndrome. Also called: Tumor predisposition; Hereditary neoplastic syndrome; Hereditary Cancer Syndrome; Neoplastic Syndromes, Hereditary. Identifiers: Orphanet 140162, MedGen C0027672, MeSH D009386, MONDO:0015356.
Oligodontia-cancer predisposition syndrome. Also called: TOOTH AGENESIS-COLORECTAL CANCER SYNDROME. Identifiers: Orphanet 300576, MedGen C1837750, MONDO:0012075, OMIM 608615. Disease mechanism: loss of function.

gnomAD v4.1: 6 of 1,614,176 alleles (0.00037%); highest among the groups gnomAD compares: Admixed American, 0.01%; no homozygotes.

Submissions (5):

Labcorp Genetics (formerly Invitae), Labcorp
Classification: Uncertain significance for Oligodontia-cancer predisposition syndrome. Last evaluated: 2025-11-09. Review status: criteria provided, single submitter. Criteria: Invitae Variant Classification Sherloc (09022015). Collection method: clinical testing. Allele origin: germline.
Comment: This sequence change replaces valine, which is neutral and non-polar, with leucine, which is neutral and non-polar, at codon 247 of the AXIN2 protein (p.Val247Leu). This variant is present in population databases (rs755206242, gnomAD 0.01%). This variant has not been reported in the literature in individuals affected with AXIN2-related conditions. ClinVar contains an entry for this variant (Variation ID: 1052720). Invitae Evidence Modeling of protein sequence and biophysical properties (such as structural, functional, and spatial information, amino acid conservation, physicochemical variation, residue mobility, and thermodynamic stability) indicates that this missense variant is not expected to disrupt AXIN2 protein function with a negative predictive value of 80%. In summary, the available evidence is currently insufficient to determine the role of this variant in disease. Therefore, it has been classified as a Variant of Uncertain Significance.

Quest Diagnostics Nichols Institute San Juan Capistrano
Classification: Uncertain significance. Last evaluated: 2025-09-03. Review status: criteria provided, single submitter. Criteria: Quest Diagnostics criteria. Collection method: clinical testing. Allele origin: unknown.
Comment: The AXIN2 c.739G>C (p.Val247Leu) variant has not been reported in individuals with AXIN2-related conditions in the published literature. The frequency of this variant in the general population (Genome Aggregation Database) is higher than would generally be expected for pathogenic variants in this gene. Analysis of this variant using bioinformatics tools for the prediction of the effect of amino acid changes on protein structure and function yielded predictions that this variant is benign. Based on the available information, we are unable to determine the clinical significance of this variant.

GeneDx
Classification: Uncertain significance. Last evaluated: 2025-06-20. Review status: criteria provided, single submitter. Criteria: GeneDx Variant Classification Process June 2021. Collection method: clinical testing. Allele origin: germline. Affected: yes.
Comment: Not observed at significant frequency in large population cohorts (gnomAD); In silico analysis suggests that this missense variant does not alter protein structure/function; Observed in an individual with hepatocellular carcinoma (PMID: 38093606); This variant is associated with the following publications: (PMID: 38093606)

Ambry Genetics
Classification: Benign for Hereditary cancer-predisposing syndrome. Last evaluated: 2024-05-23. Review status: criteria provided, single submitter. Criteria: Ambry Variant Classification Scheme 2023. Collection method: clinical testing. Allele origin: germline.

Baylor Genetics
Classification: Uncertain significance for Colorectal cancer. Last evaluated: 2024-03-04. Review status: criteria provided, single submitter. Criteria: ACMG Guidelines, 2015. Collection method: clinical testing. Allele origin: unknown.